The following is an entry in ClinVar:

NM_015896.4(ZMYND10):c.562C>G (p.Leu188Val)

Gene: ZMYND10 (zinc finger MYND-type containing 10; minus strand). Cytogenetic location: 3p21.31.
Variant type: single nucleotide variant.
Coding change: c.562C>G on transcript NM_015896.4 (MANE Select); coding-DNA position 562, C replaced by G.
Protein change: p.Leu188Val; replaces leucine 188 with valine.
Molecular consequence: missense variant.
Genome position (GRCh38, 1-based): chr3:50,343,155, G>C on the plus strand (C>G on the coding strand, the complement: ZMYND10 is on the minus strand). VCF-style: chr3-50343155-G-C. GRCh37 (hg19) VCF-style: chr3-50380586-G-C.
Other names: c.562C>G, p.Leu188Val (NM_001308379.2); short protein forms L188V.
Identifiers: ClinVar variation 2009556 (VCV002009556.4), dbSNP rs1340705610, ClinGen allele CA352942157.

ClinVar aggregate classification (germline): Uncertain significance (1 of 4 stars; one submission).

Conditions:
Primary ciliary dyskinesia. Also called: Ciliary dyskinesia. Identifiers: Orphanet 244, MedGen C0008780, MONDO:0016575, HP:0012265.

Submission:

Labcorp Genetics (formerly Invitae), Labcorp
Classification: Uncertain significance for Primary ciliary dyskinesia. Last evaluated: 2022-07-29. Review status: criteria provided, single submitter. Criteria: Invitae Variant Classification Sherloc (09022015). Collection method: clinical testing. Allele origin: germline.
Comment: In summary, the available evidence is currently insufficient to determine the role of this variant in disease. Therefore, it has been classified as a Variant of Uncertain Significance. Algorithms developed to predict the effect of missense changes on protein structure and function (SIFT, PolyPhen-2, Align-GVGD) all suggest that this variant is likely to be tolerated. This variant has not been reported in the literature in individuals affected with ZMYND10-related conditions. This variant is not present in population databases (gnomAD no frequency). This sequence change replaces leucine, which is neutral and non-polar, with valine, which is neutral and non-polar, at codon 188 of the ZMYND10 protein (p.Leu188Val).